The following is an entry in ClinVar:

ClinVar aggregate classification (germline): Uncertain significance. Review status: criteria provided, multiple submitters, no conflicts (2 of 4 stars). 3 submissions from 3 submitters: Uncertain significance (3). Last evaluated 2026-06-24.

Conditions:
Autosomal dominant nonsyndromic hearing loss 4A. Also called: Deafness, autosomal dominant 4A. Identifiers: Orphanet 90635, MedGen C1833503, MONDO:0010915, OMIM 600652.

Allele frequency attached by ClinVar (database versions not stated): ExAC 0.00001; gnomAD 0.00001.
gnomAD v4.1: 21 of 1,613,592 alleles (0.0013%); highest among the groups gnomAD compares: South Asian, 0.0066%; no homozygotes.

Submissions (3):

GeneDx
Classification: Uncertain significance. Last evaluated: 2026-06-24. Review status: criteria provided, single submitter. Criteria: GeneDx Variant Classification Process June 2021. Collection method: clinical testing. Allele origin: germline.
Comment: Reported as heterozygous in multiple individuals with sensorineural hearing loss as well as in an unaffected individual (PMID: 38352997); Reported in one patient with mitochondrial abnormality in published literature (PMID: 26633542); In silico analysis supports that this missense variant has a deleterious effect on protein structure/function; This variant is associated with the following publications: (PMID: 26633542, 38352997)

Dasa
Classification: Uncertain significance. Last evaluated: 2024-05-29. Review status: criteria provided, single submitter. Criteria: DASA Assertion Criteria. Collection method: clinical testing. Allele origin: germline.
Comment: NM_001145809.2(MYH14):c.547C>T (p.Arg183Trp) is a missense variant that results in the substitution of arginine with tryptophan. This variant is rare in population databases. Computational prediction algorithms are consistent with a benign effect. The currently available literature and clinical evidence are not sufficient to establish a definitive association between this variant and the reported condition. Therefore, this variant is classified as a variant of uncertain significance.

Miami Human Genetics, University Of Miami Miller School Of Medicine
Classification: Uncertain significance for Autosomal dominant nonsyndromic hearing loss 4A. Last evaluated: 2023-06-02. Review status: criteria provided, single submitter. Criteria: ACMG Guidelines, 2015. Collection method: research. Allele origin: germline. Inheritance: Autosomal dominant inheritance. Affected: yes. Observed: 1 heterozygote.

NM_001145809.2(MYH14):c.547C>T (p.Arg183Trp)

Gene: MYH14 (myosin heavy chain 14; plus strand). Cytogenetic location: 19q13.33.
Variant type: single nucleotide variant.
Coding change: c.547C>T on transcript NM_001145809.2 (MANE Select); coding-DNA position 547, C replaced by T.
Protein change: p.Arg183Trp; replaces arginine 183 with tryptophan.
Molecular consequence: missense variant.
Genome position (GRCh38, 1-based): chr19:50,217,756, C>T. VCF-style: chr19-50217756-C-T. GRCh37 (hg19) VCF-style: chr19-50721013-C-T.
Other names: c.547C>T, p.Arg183Trp (NM_001077186.2, NM_024729.4); c.547C>T (NM_024729.3); short protein forms R183W.
Identifiers: ClinVar variation 2505163 (VCV002505163.5), dbSNP rs765339939, ClinGen allele CA9592285.